The following is an entry in ClinVar:

ClinVar aggregate classification (germline): Likely pathogenic (1 of 4 stars; one submission).

Submission:

GeneDx
Classification: Likely pathogenic. Last evaluated: 2017-09-11. Review status: criteria provided, single submitter. Criteria: GeneDx Variant Classification (06012015). Collection method: clinical testing. Allele origin: germline. Affected: yes.
Comment: The A1329D variant in the SCN2A gene has not been reported previously as a pathogenic variant, nor as a benign variant, to our knowledge. The A1329D variant is not observed in large population cohorts (Lek et al., 2016; 1000 Genomes Consortium et al., 2015; Exome Variant Server). The A1329D variant is a non-conservative amino acid substitution, which is likely to impact secondary protein structure as these residues differ in polarity, charge, size and/or other properties. This substitution occurs at a position that is conserved across species and is predicted to be within the intracellular loop between the S4 and S5 transmembrane segments of the third homologous domain. In silico analysis predicts this variant is probably damaging to the protein structure/function. Missense variants in nearby residues (V1326L, V1326D, L1330F, A1333T) have been reported in the Human Gene Mutation Database in association with SCN2A-related disorders (Stenson et al., 2014), supporting the functional importance of this region of the protein. We interpret A1329D as a likely pathogenic variant.

NM_001040142.2(SCN2A):c.3986C>A (p.Ala1329Asp)

Gene: SCN2A (sodium voltage-gated channel alpha subunit 2; plus strand). Cytogenetic location: 2q24.3.
Variant type: single nucleotide variant.
Coding change: c.3986C>A on transcript NM_001040142.2 (MANE Select); coding-DNA position 3986, C replaced by A.
Protein change: p.Ala1329Asp; replaces alanine 1329 with aspartic acid.
Molecular consequence: missense variant.
Genome position (GRCh38, 1-based): chr2:165,374,698, C>A. VCF-style: chr2-165374698-C-A. GRCh37 (hg19) VCF-style: chr2-166231208-C-A.
Other names: c.3986C>A, p.Ala1329Asp (NM_001040143.2, NM_001371246.1, NM_001371247.1 and 1 more transcripts); short protein forms A1329D.
Identifiers: ClinVar variation 451715 (VCV000451715.2), dbSNP rs1553593578, ClinGen allele CA349030204.